The following is an entry in ClinVar:

ClinVar aggregate classification (germline): Uncertain significance (1 of 4 stars; one submission).

Submission:

Labcorp Genetics (formerly Invitae), Labcorp
Classification: Uncertain significance. Last evaluated: 2025-07-16. Review status: criteria provided, single submitter. Criteria: Invitae Variant Classification Sherloc (09022015). Collection method: clinical testing. Allele origin: germline.
Comment: This sequence change replaces threonine, which is neutral and polar, with isoleucine, which is neutral and non-polar, at codon 157 of the MMP9 protein (p.Thr157Ile). This variant is not present in population databases (gnomAD no frequency). This variant has not been reported in the literature in individuals affected with MMP9-related conditions. Invitae Evidence Modeling of protein sequence and biophysical properties (such as structural, functional, and spatial information, amino acid conservation, physicochemical variation, residue mobility, and thermodynamic stability) indicates that this missense variant is not expected to disrupt MMP9 protein function with a negative predictive value of 80%. In summary, the available evidence is currently insufficient to determine the role of this variant in disease. Therefore, it has been classified as a Variant of Uncertain Significance.

NM_004994.3(MMP9):c.470C>T (p.Thr157Ile)

Gene: MMP9 (matrix metallopeptidase 9; plus strand). Cytogenetic location: 20q13.12.
Variant type: single nucleotide variant.
Coding change: c.470C>T on transcript NM_004994.3 (MANE Select); coding-DNA position 470, C replaced by T.
Protein change: p.Thr157Ile; replaces threonine 157 with isoleucine.
Molecular consequence: missense variant.
Genome position (GRCh38, 1-based): chr20:46,010,581, C>T. VCF-style: chr20-46010581-C-T. GRCh37 (hg19) VCF-style: chr20-44639220-C-T.
Other names: short protein forms T157I.
Identifiers: ClinVar variation 4767744 (VCV004767744.1).